The following is an entry in ClinVar:

ClinVar aggregate classification (germline): Uncertain significance (1 of 4 stars; one submission).

Conditions:
Hereditary pancreatitis (PCTT). Also called: Hereditary chronic pancreatitis; PRSS1-Related Hereditary Pancreatitis. Identifiers: Orphanet 676, MedGen C0238339, MONDO:0008185, OMIM 167800.

Submission:

Ambry Genetics
Classification: Uncertain significance for Hereditary pancreatitis. Last evaluated: 2024-03-29. Review status: criteria provided, single submitter. Criteria: Ambry Variant Classification Scheme 2023. Collection method: clinical testing. Allele origin: germline.
Comment: The p.K247R variant (also known as c.740A>G), located in coding exon 7 of the CTRC gene, results from an A to G substitution at nucleotide position 740. The lysine at codon 247 is replaced by arginine, an amino acid with highly similar properties. This amino acid position is conserved. In addition, this alteration is predicted to be tolerated by in silico analysis. Based on the available evidence, the clinical significance of this alteration remains unclear.

NM_007272.3(CTRC):c.740A>G (p.Lys247Arg)

Gene: CTRC (chymotrypsin C; plus strand). Cytogenetic location: 1p36.21.
Variant type: single nucleotide variant.
Coding change: c.740A>G on transcript NM_007272.3 (MANE Select); coding-DNA position 740, A replaced by G.
Protein change: p.Lys247Arg; replaces lysine 247 with arginine.
Molecular consequence: missense variant.
Genome position (GRCh38, 1-based): chr1:15,445,697, A>G. VCF-style: chr1-15445697-A-G. GRCh37 (hg19) VCF-style: chr1-15772192-A-G.
Other names: short protein forms K247R.
Identifiers: ClinVar variation 3270171 (VCV003270171.1).